The following is an entry in ClinVar:

NM_176787.5(PIGN):c.2620-17_2620-16dup

Gene: PIGN (phosphatidylinositol glycan anchor biosynthesis class N; minus strand). Cytogenetic location: 18q21.33.
Variant type: Duplication.
Coding change: c.2620-17_2620-16dup on transcript NM_176787.5 (MANE Select); 17 bases into the intron before coding-DNA position 2620 through 16 bases into the intron before coding-DNA position 2620, 2 bases duplicated (TT; older notation c.2620-17_2620-16dupTT).
Molecular consequence: intron variant.
Genome position (GRCh38, 1-based): chr18:62,072,730-62,072,731, AA duplicated on the plus strand (TT on the coding strand, the reverse complement: PIGN is on the minus strand); duplicating any 2 consecutive bases within chr18:62,072,730-62,072,742 gives the same sequence; the c. name uses the placement nearest the transcript's 3' end. VCF-style (leftmost placement, unchanged base first): chr18-62072729-T-TAA. GRCh37 (hg19) VCF-style: chr18-59739962-T-TAA.
Other names: p.?; c.2620-6_2620-5dup (NM_176787.5); c.2620-17_2620-16dup (NM_012327.6).
Identifiers: ClinVar variation 681232 (VCV000681232.11), dbSNP rs11437076, ClinGen allele CA8981914.
Genomic context (GRCh38, chr18:62,072,729, plus strand): 5'-ATACCTTGTCCCAATATCAAGCCAGCTGCCATAATCCTTGACCAAGAAGAAAAAATGCTG[T>TAA]AAAAAAAAAAAAAGGCTTAATGAAAAACAAAGCTATTTAGATTCAGTCTAAAAACAAAGC-3'

ClinVar aggregate classification (germline): Benign/Likely benign. Review status: criteria provided, multiple submitters, no conflicts (2 of 4 stars). 4 submissions from 4 submitters: Benign (3); Likely benign (1). Last evaluated 2026-02-03.

Conditions:
Multiple congenital anomalies-hypotonia-seizures syndrome 1 (MCAHS1). Also called: Congenital disorder of glycosylation due to PIGN deficiency; PIGN-CDG; GLYCOSYLPHOSPHATIDYLINOSITOL BIOSYNTHESIS DEFECT 3. Identifiers: Orphanet 280633, MedGen C3279775, MONDO:0013563, OMIM 614080.

Submissions (4):

Labcorp Genetics (formerly Invitae), Labcorp
Classification: Benign for Multiple congenital anomalies-hypotonia-seizures syndrome 1. Last evaluated: 2026-02-03. Review status: criteria provided, single submitter. Criteria: Invitae Variant Classification Sherloc (09022015). Collection method: clinical testing. Allele origin: germline.

Blueprint Genetics
Classification: Likely benign. Last evaluated: 2024-11-28. Review status: criteria provided, single submitter. Criteria: ACMG Guidelines, 2015. Collection method: clinical testing. Allele origin: germline.

Mayo Clinic Laboratories, Mayo Clinic
Classification: Benign. Last evaluated: 2022-07-29. Review status: criteria provided, single submitter. Criteria: ACMG Guidelines, 2015. Collection method: clinical testing. Allele origin: germline. Observed: 112 variant alleles.
Comment: BA1

GeneDx
Classification: Benign. Last evaluated: 2018-06-14. Review status: criteria provided, single submitter. Criteria: GeneDx Variant Classification (06012015). Collection method: clinical testing. Allele origin: germline. Affected: yes.
Comment: This variant is considered likely benign or benign based on one or more of the following criteria: it is a conservative change, it occurs at a poorly conserved position in the protein, it is predicted to be benign by multiple in silico algorithms, and/or has population frequency not consistent with disease.